The following is an entry in ClinVar:

ClinVar aggregate classification (germline): Uncertain significance (1 of 4 stars; one submission).

Conditions:
Hereditary cancer-predisposing syndrome. Also called: Hereditary Cancer Syndrome; Neoplastic Syndromes, Hereditary; Tumor predisposition; Hereditary neoplastic syndrome. Identifiers: Orphanet 140162, MedGen C0027672, MeSH D009386, MONDO:0015356.

Submission:

Ambry Genetics
Classification: Uncertain significance for Hereditary cancer-predisposing syndrome. Last evaluated: 2026-07-07. Review status: criteria provided, single submitter. Criteria: Ambry Variant Classification Scheme 2023. Collection method: clinical testing. Allele origin: germline.
Comment: The p.R45G variant (also known as c.133A>G), located in coding exon 1 of the DICER1 gene, results from an A to G substitution at nucleotide position 133. The arginine at codon 45 is replaced by glycine, an amino acid with dissimilar properties. This amino acid position is conserved. In addition, this alteration is predicted to be deleterious by in silico analysis. Based on the available evidence, the clinical significance of this variant remains unclear.

NM_177438.3(DICER1):c.133A>G (p.Arg45Gly)

Gene: DICER1 (dicer 1, ribonuclease III; minus strand). Cytogenetic location: 14q32.13.
Variant type: single nucleotide variant.
Coding change: c.133A>G on transcript NM_177438.3 (MANE Select); coding-DNA position 133, A replaced by G.
Protein change: p.Arg45Gly; replaces arginine 45 with glycine.
Molecular consequence: missense variant. On other transcripts: 5 prime UTR variant (8), non-coding transcript variant (6), intron variant (1).
Genome position (GRCh38, 1-based): chr14:95,133,326, T>C on the plus strand (A>G on the coding strand, the complement: DICER1 is on the minus strand). VCF-style: chr14-95133326-T-C. GRCh37 (hg19) VCF-style: chr14-95599663-T-C.
Other names: c.133A>G, p.Arg45Gly (NM_001195573.1, NM_001271282.3, NM_001291628.2 and 14 more transcripts); c.-142A>G (NM_001395686.1, NM_001395688.1, NM_001395689.1 and 3 more transcripts); c.-326A>G (NM_001395691.1); c.-1436A>G (NM_001395697.1); c.-130-649A>G (NM_001395687.1); short protein forms R45G.
Identifiers: ClinVar variation 5035280 (VCV005035280.1).